The following is an entry in ClinVar:

NM_001105247.2(ARMC5):c.1864+112G>A

Gene: ARMC5 (armadillo repeat containing 5; plus strand). Cytogenetic location: 16p11.2.
Variant type: single nucleotide variant.
Coding change: c.1864+112G>A on transcript NM_001105247.2 (MANE Select); 112 bases into the intron after coding-DNA position 1864, G replaced by A.
Molecular consequence: intron variant. On other transcripts: missense variant (1).
Genome position (GRCh38, 1-based): chr16:31,464,999, G>A. VCF-style: chr16-31464999-G-A. GRCh37 (hg19) VCF-style: chr16-31476320-G-A.
Other names: c.1976G>A, p.Arg659His (NM_024742.2); c.2149+112G>A (NM_001288767.2); c.1960+112G>A (NM_001301820.1); short protein forms R659H.
Identifiers: ClinVar variation 451972 (VCV000451972.2), dbSNP rs775695060, ClinGen allele CA8029825.

ClinVar aggregate classification (germline): Uncertain significance (1 of 4 stars; one submission).

Allele frequency attached by ClinVar (database versions not stated): gnomAD 0.00003; gnomAD exomes 0.00003 and 0.00004; TOPMed 0.00004; ExAC 0.00007.
gnomAD v4.1: 45 of 1,610,980 alleles (0.0028%); highest among the groups gnomAD compares: East Asian, 0.0089%; no homozygotes.

Submission:

GeneDx
Classification: Uncertain significance. Last evaluated: 2017-09-12. Review status: criteria provided, single submitter. Criteria: GeneDx Variant Classification (06012015). Collection method: clinical testing. Allele origin: germline. Affected: yes.
Comment: The R659H variant, present in an alternate transcript of the ARMC5 gene, has not been reported previously as a pathogenic variant, nor as a benign variant, to our knowledge. This variant is observed in 2/11,532 alleles (0.017%) from individuals of Latino background, and in 6/65,954 alleles (0.009%) from individuals of non-Finnish European background, in the ExAC dataset with no homozygous control individuals reported (Lek et al., 2016). The R659H variant is a conservative amino acid substitution, which is not likely to impact secondary protein structure as these residues share similar properties. In addition, this substitution occurs at a position that is not conserved across species, and in silico analysis predicts this variant likely does not alter the protein structure/function. Therefore, we interpret R659H as a variant of uncertain significance.